The following is an entry in ClinVar:

NM_014714.4(IFT140):c.3053G>A (p.Arg1018His)

Genes: IFT140 (intraflagellar transport 140; minus strand), LOC126862260 (CDK7 strongly-dependent group 2 enhancer GRCh37_chr16:1574508-1575707; plus strand). Cytogenetic location: 16p13.3.
Variant type: single nucleotide variant.
Coding change: c.3053G>A on transcript NM_014714.4 (MANE Select); coding-DNA position 3053, G replaced by A.
Protein change: p.Arg1018His; replaces arginine 1018 with histidine.
Molecular consequence: missense variant.
Genome position (GRCh38, 1-based): chr16:1,524,640, C>T on the plus strand (G>A on the coding strand, the complement: IFT140 is on the minus strand). VCF-style: chr16-1524640-C-T. GRCh37 (hg19) VCF-style: chr16-1574641-C-T.
Other names: short protein forms R1018H.
Identifiers: ClinVar variation 2143229 (VCV002143229.2), dbSNP rs761615924, ClinGen allele CA7813342.

ClinVar aggregate classification (germline): Uncertain significance (1 of 4 stars; one submission).

Conditions:
Saldino-Mainzer syndrome (SRTD9). Also called: short-rib thoracic dysplasia 9 with or without polydactyly; CONORENAL SYNDROME; Renal dysplasia, retinal pigmentary dystrophy, cerebellar ataxia and skeletal dysplasia; SHORT-RIB THORACIC DYSPLASIA 9 WITHOUT POLYDACTYLY. Identifiers: Orphanet 140969, MedGen C1849437, MONDO:0009964, OMIM 266920.

Allele frequency attached by ClinVar (database versions not stated): gnomAD exomes 0.00001; gnomAD 0.00002; TOPMed 0.00002; ExAC 0.00003.
gnomAD v4.1: 15 of 1,594,418 alleles (0.00094%); highest among the groups gnomAD compares: Admixed American, 0.0017%; no homozygotes.

Submission:

Labcorp Genetics (formerly Invitae), Labcorp
Classification: Uncertain significance for Saldino-Mainzer syndrome. Last evaluated: 2025-04-17. Review status: criteria provided, single submitter. Criteria: Invitae Variant Classification Sherloc (09022015). Collection method: clinical testing. Allele origin: germline.
Comment: This sequence change replaces arginine, which is basic and polar, with histidine, which is basic and polar, at codon 1018 of the IFT140 protein (p.Arg1018His). This variant is present in population databases (rs761615924, gnomAD 0.005%). This variant has not been reported in the literature in individuals affected with IFT140-related conditions. ClinVar contains an entry for this variant (Variation ID: 2143229). Invitae Evidence Modeling of protein sequence and biophysical properties (such as structural, functional, and spatial information, amino acid conservation, physicochemical variation, residue mobility, and thermodynamic stability) has been performed for this missense variant. However, the output from this modeling did not meet the statistical confidence thresholds required to predict the impact of this variant on IFT140 protein function. In summary, the available evidence is currently insufficient to determine the role of this variant in disease. Therefore, it has been classified as a Variant of Uncertain Significance.